The following is an entry in ClinVar:

ClinVar aggregate classification (germline): Uncertain significance. Review status: criteria provided, multiple submitters, no conflicts (2 of 4 stars). 3 submissions from 3 submitters: Uncertain significance (3). Last evaluated 2024-01-04.

Conditions:
Inborn genetic diseases. Identifiers: MedGen C0950123, MeSH D030342.

Allele frequency attached by ClinVar (database versions not stated): gnomAD 0.00001; TOPMed 0.00001; ExAC 0.00002; gnomAD exomes 0.00002.
gnomAD v4.1: 56 of 1,612,194 alleles (0.0035%); highest among the groups gnomAD compares: Non-Finnish European, 0.0047%; no homozygotes.

Submissions (3):

Labcorp Genetics (formerly Invitae), Labcorp
Classification: Uncertain significance. Last evaluated: 2024-01-04. Review status: criteria provided, single submitter. Criteria: Invitae Variant Classification Sherloc (09022015). Collection method: clinical testing. Allele origin: germline.
Comment: This sequence change replaces histidine, which is basic and polar, with glutamine, which is neutral and polar, at codon 202 of the IFT81 protein (p.His202Gln). This variant is present in population databases (rs746627168, gnomAD 0.004%). This variant has not been reported in the literature in individuals affected with IFT81-related conditions. ClinVar contains an entry for this variant (Variation ID: 863821). Advanced modeling of protein sequence and biophysical properties (such as structural, functional, and spatial information, amino acid conservation, physicochemical variation, residue mobility, and thermodynamic stability) performed at Invitae indicates that this missense variant is not expected to disrupt IFT81 protein function with a negative predictive value of 80%. In summary, the available evidence is currently insufficient to determine the role of this variant in disease. Therefore, it has been classified as a Variant of Uncertain Significance.

Ambry Genetics
Classification: Uncertain significance for Inborn genetic diseases. Last evaluated: 2023-10-17. Review status: criteria provided, single submitter. Criteria: Ambry Variant Classification Scheme 2023. Collection method: clinical testing. Allele origin: germline.

Blueprint Genetics
Classification: Uncertain significance. Last evaluated: 2022-10-26. Review status: criteria provided, single submitter. Criteria: ACMG Guidelines, 2015. Collection method: clinical testing. Allele origin: germline.

NM_014055.4(IFT81):c.606T>G (p.His202Gln)

Gene: IFT81 (intraflagellar transport 81; plus strand). Cytogenetic location: 12q24.11.
Variant type: single nucleotide variant.
Coding change: c.606T>G on transcript NM_014055.4 (MANE Select); coding-DNA position 606, T replaced by G.
Protein change: p.His202Gln; replaces histidine 202 with glutamine.
Molecular consequence: missense variant. On other transcripts: 5 prime UTR variant (2), non-coding transcript variant (4).
Genome position (GRCh38, 1-based): chr12:110,135,347, T>G. VCF-style: chr12-110135347-T-G. GRCh37 (hg19) VCF-style: chr12-110573152-T-G.
Other names: c.606T>G, p.His202Gln (NM_001143779.2, NM_001347946.2, NM_031473.4); c.-161T>G (NM_001347947.2, NM_001347948.2); short protein forms H202Q.
Identifiers: ClinVar variation 863821 (VCV000863821.10), dbSNP rs746627168, ClinGen allele CA6783137.